The following is an entry in ClinVar:

ClinVar aggregate classification (germline): Likely benign (1 of 4 stars; one submission).

gnomAD v4.1: 2 of 1,614,136 alleles (0.00012%); highest among the groups gnomAD compares: Admixed American, 0.0033%; no homozygotes.

Submission:

GeneDx
Classification: Likely benign. Last evaluated: 2025-03-20. Review status: criteria provided, single submitter. Criteria: GeneDx Variant Classification Process June 2021. Collection method: clinical testing. Allele origin: germline. Affected: yes.
Comment: See Variant Classification Assertion Criteria.

NM_015559.3(SETBP1):c.191G>A (p.Gly64Asp)

Gene: SETBP1 (SET binding protein 1; plus strand). Cytogenetic location: 18q12.3.
Variant type: single nucleotide variant.
Coding change: c.191G>A on transcript NM_015559.3 (MANE Select); coding-DNA position 191, G replaced by A.
Protein change: p.Gly64Asp; replaces glycine 64 with aspartic acid.
Molecular consequence: missense variant.
Genome position (GRCh38, 1-based): chr18:44,701,537, G>A. VCF-style: chr18-44701537-G-A. GRCh37 (hg19) VCF-style: chr18-42281502-G-A.
Other names: c.191G>A, p.Gly64Asp (NM_001410862.1, NM_001130110.2, NM_001379141.1 and 1 more transcripts); short protein forms G64D.
Identifiers: ClinVar variation 4086466 (VCV004086466.1).